The following is an entry in ClinVar:

NM_178822.5(IGSF10):c.6245A>G (p.Asn2082Ser)

Gene: IGSF10 (immunoglobulin superfamily member 10; minus strand). Cytogenetic location: 3q25.1.
Variant type: single nucleotide variant.
Coding change: c.6245A>G on transcript NM_178822.5 (MANE Select); coding-DNA position 6245, A replaced by G.
Protein change: p.Asn2082Ser; replaces asparagine 2082 with serine.
Molecular consequence: missense variant.
Genome position (GRCh38, 1-based): chr3:151,438,316, T>C on the plus strand (A>G on the coding strand, the complement: IGSF10 is on the minus strand). VCF-style: chr3-151438316-T-C. GRCh37 (hg19) VCF-style: chr3-151156104-T-C.
Other names: c.182A>G, p.Asn61Ser (NM_001178145.3, NM_001178146.3); c.6245A>G, p.Asn2082Ser (NM_001385060.1, NM_001385061.1, NM_001385062.1 and 1 more transcripts); short protein forms N2082S, N61S.
Identifiers: ClinVar variation 3045893 (VCV003045893.4), dbSNP rs145634427, ClinGen allele CA2669559.

ClinVar aggregate classification (germline): Likely benign. Review status: criteria provided, single submitter (1 of 4 stars). 2 submissions from 2 submitters: Likely benign (1). 1 of the submissions does not count toward it. Last evaluated 2024-11-08.

Conditions:
IGSF10-related disorder. Also called: IGSF10-related condition.

Allele frequency attached by ClinVar (database versions not stated): gnomAD exomes 0.00014; ExAC 0.00038; ESP Exome Variant Server 0.00092; gnomAD 0.00125; 1000 Genomes Project 0.00140; TOPMed 0.00148; 1000 Genomes Project 30x 0.00156.
gnomAD v4.1: 396 of 1,614,154 alleles (0.025%); highest among the groups gnomAD compares: African/African-American, 0.46%; 1 homozygote.

Submissions (2):

Labcorp Genetics (formerly Invitae), Labcorp
Classification: Likely benign. Last evaluated: 2024-11-08. Review status: criteria provided, single submitter. Criteria: Invitae Variant Classification Sherloc (09022015). Collection method: clinical testing. Allele origin: germline.

PreventionGenetics, part of Exact Sciences
Classification: Likely benign for IGSF10-related condition. Last evaluated: 2023-06-14. Review status: no assertion criteria provided. Collection method: clinical testing. Allele origin: germline. Not counted in ClinVar's aggregate classification.
Comment: This variant is classified as likely benign based on ACMG/AMP sequence variant interpretation guidelines (Richards et al. 2015 PMID: 25741868, with internal and published modifications).